The following is an entry in ClinVar:

ClinVar aggregate classification (germline): Uncertain significance (1 of 4 stars; one submission).

Conditions:
Kabuki syndrome 1 (KABUK1). Also called: KMT2D-Related Kabuki Syndrome. Identifiers: Orphanet 2322, MedGen CN030661, MONDO:0007843, OMIM 147920.

Submission:

Clinical Genomics Laboratory, Washington University in St. Louis
Classification: Uncertain significance for Kabuki syndrome 1. Last evaluated: 2025-12-04. Review status: criteria provided, single submitter. Criteria: ACMG Guidelines, 2015. Collection method: clinical testing. Allele origin: germline.
Comment: The KMT2D c.13157C>A (p.Thr4386Asn) variant, to our knowledge, has not been reported in the medical literature. This variant is absent from the general population (gnomAD v.4.1.0), indicating it is not a common variant. Computational predictors are uncertain as to the impact of this variant on KMT2D function. Due to limited information, and based on ACMG/AMP guidelines for variant interpretation (Richards S et al., PMID: 25741868), the clinical significance of this variant is uncertain at this time.

NM_003482.4(KMT2D):c.13157C>A (p.Thr4386Asn)

Gene: KMT2D (lysine methyltransferase 2D; minus strand). Cytogenetic location: 12q13.12.
Variant type: single nucleotide variant.
Coding change: c.13157C>A on transcript NM_003482.4 (MANE Select); coding-DNA position 13157, C replaced by A.
Protein change: p.Thr4386Asn; replaces threonine 4386 with asparagine.
Molecular consequence: missense variant.
Genome position (GRCh38, 1-based): chr12:49,031,548, G>T on the plus strand (C>A on the coding strand, the complement: KMT2D is on the minus strand). VCF-style: chr12-49031548-G-T. GRCh37 (hg19) VCF-style: chr12-49425331-G-T.
Other names: short protein forms T4386N.
Identifiers: ClinVar variation 4879546 (VCV004879546.1).